The following is an entry in ClinVar:

ClinVar aggregate classification (germline): Uncertain significance (1 of 4 stars; one submission).

Conditions:
Neuropathy, hereditary sensory and autonomic, type 1C. Also called: HSAN IC; HSN IC. Identifiers: Orphanet 36386, MedGen C3150896, MONDO:0013337, OMIM 613640.

Submission:

Labcorp Genetics (formerly Invitae), Labcorp
Classification: Uncertain significance for Neuropathy, hereditary sensory and autonomic, type 1C. Last evaluated: 2020-11-06. Review status: criteria provided, single submitter. Criteria: Invitae Variant Classification Sherloc (09022015). Collection method: clinical testing. Allele origin: germline.
Comment: In summary, the available evidence is currently insufficient to determine the role of this variant in disease. Therefore, it has been classified as a Variant of Uncertain Significance. Algorithms developed to predict the effect of missense changes on protein structure and function do not agree on the potential impact of this missense change (SIFT: "Deleterious"; PolyPhen-2: "Possibly Damaging"; Align-GVGD: "Class C0"). This variant has not been reported in the literature in individuals with SPTLC2-related disease. This variant is not present in population databases (ExAC no frequency). This sequence change replaces valine with alanine at codon 494 of the SPTLC2 protein (p.Val494Ala). The valine residue is highly conserved and there is a small physicochemical difference between valine and alanine.

NM_004863.4(SPTLC2):c.1481T>C (p.Val494Ala)

Gene: SPTLC2 (serine palmitoyltransferase long chain base subunit 2; minus strand). Cytogenetic location: 14q24.3.
Variant type: single nucleotide variant.
Coding change: c.1481T>C on transcript NM_004863.4 (MANE Select); coding-DNA position 1481, T replaced by C.
Protein change: p.Val494Ala; replaces valine 494 with alanine.
Molecular consequence: missense variant.
Genome position (GRCh38, 1-based): chr14:77,518,126, A>G on the plus strand (T>C on the coding strand, the complement: SPTLC2 is on the minus strand). VCF-style: chr14-77518126-A-G. GRCh37 (hg19) VCF-style: chr14-77984469-A-G.
Other names: short protein forms V494A.
Identifiers: ClinVar variation 538851 (VCV000538851.9), dbSNP rs1555372983, ClinGen allele CA390700031.